The following is an entry in ClinVar:

NM_032656.4(DHX37):c.256C>T (p.Gln86Ter)

Gene: DHX37 (DEAH-box helicase 37; minus strand). Cytogenetic location: 12q24.31.
Variant type: single nucleotide variant.
Coding change: c.256C>T on transcript NM_032656.4 (MANE Select); coding-DNA position 256, C replaced by T.
Protein change: p.Gln86Ter; replaces glutamine 86 with a stop codon.
Molecular consequence: nonsense.
Genome position (GRCh38, 1-based): chr12:124,986,116, G>A on the plus strand (C>T on the coding strand, the complement: DHX37 is on the minus strand). VCF-style: chr12-124986116-G-A. GRCh37 (hg19) VCF-style: chr12-125470662-G-A.
Other names: short protein forms Q86*.
Identifiers: ClinVar variation 4885700 (VCV004885700.2).

ClinVar aggregate classification (germline): Uncertain significance (1 of 4 stars; one submission).

Submission:

Dasa
Classification: Uncertain significance. Last evaluated: 2025-04-08. Review status: criteria provided, single submitter. Criteria: DASA Assertion Criteria. Collection method: clinical testing. Allele origin: germline.
Comment: NM_032656.4(DHX37):c.256C>T (p.Gln86*) is a nonsense variant in DHX37 predicted to introduce a premature termination codon. This variant is absent from population databases. The currently available literature and clinical evidence are not sufficient to establish a definitive association between this variant and the reported condition. Therefore, this variant is classified as a variant of uncertain significance.